The following is an entry in ClinVar:

NM_001130144.3(LTBP3):c.146G>A (p.Arg49Gln)

Gene: LTBP3 (latent transforming growth factor beta binding protein 3; minus strand). Cytogenetic location: 11q13.1.
Variant type: single nucleotide variant.
Coding change: c.146G>A on transcript NM_001130144.3 (MANE Select); coding-DNA position 146, G replaced by A.
Protein change: p.Arg49Gln; replaces arginine 49 with glutamine.
Molecular consequence: missense variant. On other transcripts: 5 prime UTR variant (1).
Genome position (GRCh38, 1-based): chr11:65,557,814, C>T on the plus strand (G>A on the coding strand, the complement: LTBP3 is on the minus strand). VCF-style: chr11-65557814-C-T. GRCh37 (hg19) VCF-style: chr11-65325285-C-T.
Other names: c.-202G>A (NM_001164266.1); c.146G>A, p.Arg49Gln (NM_021070.4); short protein forms R49Q.
Identifiers: ClinVar variation 2720157 (VCV002720157.3), dbSNP rs748487542, ClinGen allele CA381278471.

ClinVar aggregate classification (germline): Uncertain significance (1 of 4 stars; one submission).

Conditions:
Brachyolmia-amelogenesis imperfecta syndrome. Also called: PLATYSPONDYLY WITH AMELOGENESIS IMPERFECTA; Tooth agenesis, selective, 6; Dental anomalies and short stature. Identifiers: Orphanet 2899, MedGen C1832594, MONDO:0011018, OMIM 601216. Disease mechanism: loss of function.

Allele frequency attached by ClinVar (database versions not stated): gnomAD 0.00001.
gnomAD v4.1: 2 of 1,492,604 alleles (0.00013%); highest among the groups gnomAD compares: East Asian, 0.0027%; no homozygotes.

Submission:

Labcorp Genetics (formerly Invitae), Labcorp
Classification: Uncertain significance for Brachyolmia-amelogenesis imperfecta syndrome. Last evaluated: 2024-08-04. Review status: criteria provided, single submitter. Criteria: Invitae Variant Classification Sherloc (09022015). Collection method: clinical testing. Allele origin: germline.
Comment: This sequence change replaces arginine, which is basic and polar, with glutamine, which is neutral and polar, at codon 49 of the LTBP3 protein (p.Arg49Gln). This variant is not present in population databases (gnomAD no frequency). This variant has not been reported in the literature in individuals affected with LTBP3-related conditions. Experimental studies and prediction algorithms are not available or were not evaluated, and the functional significance of this variant is currently unknown. In summary, the available evidence is currently insufficient to determine the role of this variant in disease. Therefore, it has been classified as a Variant of Uncertain Significance.